The following is an entry in ClinVar:

ClinVar aggregate classification (germline): Conflicting classifications of pathogenicity. Review status: criteria provided, conflicting classifications (1 of 4 stars). 4 submissions from 4 submitters: Uncertain significance (3); Benign (1). Last evaluated 2025-12-20.

Conditions:
Neurofibromatosis, type 2 (SWNV). Also called: BILATERAL ACOUSTIC NEUROFIBROMATOSIS; SCHWANNOMATOSIS, VESTIBULAR; NF2-Related Schwannomatosis. Identifiers: Orphanet 637, MedGen C0027832, MONDO:0007039, OMIM 101000. Disease mechanism: loss of function.
Hereditary cancer-predisposing syndrome. Also called: Tumor predisposition; Hereditary Cancer Syndrome; Hereditary neoplastic syndrome; Neoplastic Syndromes, Hereditary. Identifiers: Orphanet 140162, MedGen C0027672, MeSH D009386, MONDO:0015356.

Allele frequency attached by ClinVar (database versions not stated): gnomAD exomes below 0.00001 and 0.00001; ExAC 0.00001; gnomAD 0.00001; TOPMed 0.00001.
gnomAD v4.1: 5 of 1,613,936 alleles (0.00031%); highest among the groups gnomAD compares: East Asian, 0.0022%; no homozygotes.

Submissions (4):

Labcorp Genetics (formerly Invitae), Labcorp
Classification: Uncertain significance for Neurofibromatosis, type 2. Last evaluated: 2025-12-20. Review status: criteria provided, single submitter. Criteria: Invitae Variant Classification Sherloc (09022015). Collection method: clinical testing. Allele origin: germline.
Comment: This sequence change replaces arginine, which is basic and polar, with cysteine, which is neutral and slightly polar, at codon 351 of the NF2 protein (p.Arg351Cys). This variant is present in population databases (rs747756728, gnomAD 0.01%). This variant has not been reported in the literature in individuals affected with NF2-related conditions. ClinVar contains an entry for this variant (Variation ID: 822078). Invitae Evidence Modeling of protein sequence and biophysical properties (such as structural, functional, and spatial information, amino acid conservation, physicochemical variation, residue mobility, and thermodynamic stability) indicates that this missense variant is expected to disrupt NF2 protein function with a positive predictive value of 80%. In summary, the available evidence is currently insufficient to determine the role of this variant in disease. Therefore, it has been classified as a Variant of Uncertain Significance.

Color Diagnostics, LLC DBA Color Health
Classification: Uncertain significance for Neurofibromatosis, type 2. Last evaluated: 2025-09-18. Review status: criteria provided, single submitter. Criteria: ACMG Guidelines, 2015. Collection method: clinical testing. Allele origin: germline.
Comment: This missense variant replaces arginine with cysteine at codon 351 of the NF2 protein. Computational predictions are inconclusive regarding the impact of this variant on protein structure and function. To our knowledge, functional studies have not been reported for this variant. This variant has not been reported in individuals affected with NF2-related disorders in the literature. This variant has been identified in 3/251458 chromosomes in the general population by the Genome Aggregation Database (gnomAD). The available evidence is insufficient to determine the role of this variant in disease conclusively. Therefore, this variant is classified as a Variant of Uncertain Significance.

Ambry Genetics
Classification: Benign for Hereditary cancer-predisposing syndrome. Last evaluated: 2022-09-09. Review status: criteria provided, single submitter. Criteria: Ambry Variant Classification Scheme 2023. Collection method: clinical testing. Allele origin: germline.

Genome-Nilou Lab
Classification: Uncertain significance for Neurofibromatosis, type 2. Last evaluated: 2021-11-07. Review status: criteria provided, single submitter. Criteria: ACMG Guidelines, 2015. Collection method: clinical testing. Allele origin: germline. Affected: no.

NM_000268.4(NF2):c.1051C>T (p.Arg351Cys)

Gene: NF2 (NF2, moesin-ezrin-radixin like (MERLIN) tumor suppressor; plus strand). Cytogenetic location: 22q12.2.
Variant type: single nucleotide variant.
Coding change: c.1051C>T on transcript NM_000268.4 (MANE Select); coding-DNA position 1051, C replaced by T.
Protein change: p.Arg351Cys; replaces arginine 351 with cysteine.
Molecular consequence: missense variant. On other transcripts: non-coding transcript variant (1), intron variant (1).
Genome position (GRCh38, 1-based): chr22:29,671,877, C>T. VCF-style: chr22-29671877-C-T. GRCh37 (hg19) VCF-style: chr22-30067866-C-T.
Other names: c.1051C>T, p.Arg351Cys (NM_016418.5, NM_181825.3, NM_181832.3); c.925C>T, p.Arg309Cys (NM_181828.3); c.928C>T, p.Arg310Cys (NM_181829.3); c.802C>T, p.Arg268Cys (NM_181830.3, NM_181831.3); c.448-22875C>T (NM_181833.3); short protein forms R268C, R309C, R310C, R351C.
Identifiers: ClinVar variation 822078 (VCV000822078.15), dbSNP rs747756728, ClinGen allele CA036693.